The following is an entry in ClinVar:

NM_000022.4(ADA):c.447del (p.Ser150fs)

Gene: ADA (adenosine deaminase; minus strand). Cytogenetic location: 20q13.12.
Variant type: Deletion.
Coding change: c.447del on transcript NM_000022.4 (MANE Select); coding-DNA position 447, one base deleted (G; older notation c.447delG).
Protein change: p.Ser150fs; shifts the reading frame from serine 150.
Molecular consequence: frameshift variant. On other transcripts: non-coding transcript variant (1), intron variant (1).
Genome position (GRCh38, 1-based): chr20:44,625,600, C deleted on the plus strand (G on the coding strand, the reverse complement: ADA is on the minus strand); the first of 2 consecutive C bases (chr20:44,625,600-44,625,601); deleting either gives the same sequence. VCF-style (leftmost placement, unchanged base first): chr20-44625599-AC-A. GRCh37 (hg19) VCF-style: chr20-43254240-AC-A.
Other names: c.447del, p.Ser150fs (NM_001322051.2); c.73+856del (NM_001322050.2); short protein forms S150fs.
Identifiers: ClinVar variation 3008497 (VCV003008497.3), dbSNP rs2516172888, ClinGen allele CA2740094588.

ClinVar aggregate classification (germline): Pathogenic (1 of 4 stars; one submission).

Conditions:
Severe combined immunodeficiency, autosomal recessive, T cell-negative, B cell-negative, NK cell-negative, due to adenosine deaminase deficiency. Also called: Adenosine deaminase deficient severe combined immunodeficiency; Severe combined immunodeficiency due to ADA deficiency; Adenosine Deaminase Deficiency; ADA-SCID; ADA deficiency; SCID DUE TO ADA DEFICIENCY. Identifiers: Orphanet 277, MedGen C0392607, MONDO:0007064, OMIM 102700.

Submission:

Labcorp Genetics (formerly Invitae), Labcorp
Classification: Pathogenic for Severe combined immunodeficiency, autosomal recessive, T cell-negative, B cell-negative, NK cell-negative, due to adenosine deaminase deficiency. Last evaluated: 2023-11-02. Review status: criteria provided, single submitter. Criteria: Invitae Variant Classification Sherloc (09022015). Collection method: clinical testing. Allele origin: germline.
Comment: This sequence change creates a premature translational stop signal (p.Ser150Profs*29) in the ADA gene. It is expected to result in an absent or disrupted protein product. Loss-of-function variants in ADA are known to be pathogenic (PMID: 26255240, 26376800). This variant is not present in population databases (gnomAD no frequency). This variant has not been reported in the literature in individuals affected with ADA-related conditions. For these reasons, this variant has been classified as Pathogenic.

Literature cited by the submitters: PubMed 26255240; PubMed 26376800.